The following is an entry in ClinVar:

NM_000455.5(STK11):c.441T>C (p.Arg147=)

Gene: STK11 (serine/threonine kinase 11; plus strand). Cytogenetic location: 19p13.3.
Variant type: single nucleotide variant.
Coding change: c.441T>C on transcript NM_000455.5 (MANE Select); coding-DNA position 441, T replaced by C.
Protein change: p.Arg147=; no amino-acid change (arginine 147 retained).
Molecular consequence: synonymous variant.
Genome position (GRCh38, 1-based): chr19:1,219,390, T>C. VCF-style: chr19-1219390-T-C. GRCh37 (hg19) VCF-style: chr19-1219389-T-C.
Identifiers: ClinVar variation 184427 (VCV000184427.21), dbSNP rs786201456, ClinGen allele CA022950.
Genomic context (GRCh38, chr19:1,219,390, plus strand): 5'-GGTGATGGAGTACTGCGTGTGTGGCATGCAGGAAATGCTGGACAGCGTGCCGGAGAAGCG[T>C]TTCCCAGTGTGCCAGGCCCACGGGTGCGTGCGCGGGGCAGGGGCCAGGGTGGGGCGGGGG-3'
Protein context (NP_000446.1, residues 137-157): QEMLDSVPEK[Arg147=]FPVCQAHGYF

ClinVar aggregate classification (germline): Benign/Likely benign. Review status: criteria provided, multiple submitters, no conflicts (2 of 4 stars). 7 submissions from 7 submitters: Benign (1); Likely benign (6). Last evaluated 2025-10-29.

Conditions:
Hereditary cancer-predisposing syndrome. Also called: Tumor predisposition; Hereditary Cancer Syndrome; Hereditary neoplastic syndrome; Neoplastic Syndromes, Hereditary. Identifiers: Orphanet 140162, MedGen C0027672, MeSH D009386, MONDO:0015356.
Peutz-Jeghers syndrome (PJS). Also called: POLYPOSIS, HAMARTOMATOUS INTESTINAL; POLYPS-AND-SPOTS SYNDROME; Peutz-Jeghers polyposis; Periorificial lentiginosis syndrome. Identifiers: Orphanet 2869, MedGen C0031269, MeSH D010580, MONDO:0008280, OMIM 175200.

Allele frequency attached by ClinVar (database versions not stated): gnomAD exomes below 0.00001; gnomAD 0.00001; TOPMed 0.00001.

Submissions (7):

Labcorp Genetics (formerly Invitae), Labcorp
Classification: Likely benign for Peutz-Jeghers syndrome. Last evaluated: 2025-10-29. Review status: criteria provided, single submitter. Criteria: Invitae Variant Classification Sherloc (09022015). Collection method: clinical testing. Allele origin: germline.

Myriad Genetics, Inc.
Classification: Benign for Peutz-Jeghers syndrome. Last evaluated: 2025-03-26. Review status: criteria provided, single submitter. Criteria: Myriad Autosomal Dominant, Autosomal Recessive and X-Linked Classification Criteria (2023). Collection method: clinical testing. Allele origin: unknown.
Comment: This variant is considered benign. This variant is a silent/synonymous amino acid change and it is not expected to impact splicing.

All of Us Research Program, National Institutes of Health
Classification: Likely benign for Peutz-Jeghers syndrome. Last evaluated: 2023-04-27. Review status: criteria provided, single submitter. Criteria: ACMG Guidelines, 2015. Collection method: clinical testing. Allele origin: germline. Inheritance: Autosomal dominant inheritance. Observed: 2 variant alleles, 2 heterozygotes.
Comment: This study involves interpretation of variants in research participants for the purpose of population health screening. Participant phenotype was not available at the time of variant classification. Additional details can be found in publication PMID: 35346344, PMCID: PMC8962531

Women's Health and Genetics/Laboratory Corporation of America, LabCorp
Classification: Likely benign. Last evaluated: 2019-08-29. Review status: criteria provided, single submitter. Criteria: LabCorp Variant Classification Summary - May 2015. Collection method: clinical testing. Allele origin: germline.

Color Diagnostics, LLC DBA Color Health
Classification: Likely benign for Hereditary cancer-predisposing syndrome. Last evaluated: 2017-09-11. Review status: criteria provided, single submitter. Criteria: ACMG Guidelines, 2015. Collection method: clinical testing. Allele origin: germline.

GeneDx
Classification: Likely benign. Last evaluated: 2017-05-26. Review status: criteria provided, single submitter. Criteria: GeneDx Variant Classification (06012015). Collection method: clinical testing. Allele origin: germline. Affected: yes.
Comment: This variant is considered likely benign or benign based on one or more of the following criteria: it is a conservative change, it occurs at a poorly conserved position in the protein, it is predicted to be benign by multiple in silico algorithms, and/or has population frequency not consistent with disease.

Ambry Genetics
Classification: Likely benign for Hereditary cancer-predisposing syndrome. Last evaluated: 2014-12-16. Review status: criteria provided, single submitter. Criteria: Ambry Variant Classification Scheme 2023. Collection method: clinical testing. Allele origin: germline.